The following is an entry in ClinVar:

ClinVar aggregate classification (germline): not provided (0 of 4 stars; one submission).

Allele frequency attached by ClinVar (database versions not stated): 1000 Genomes Project 30x 0.11056; 1000 Genomes Project 0.11382; TOPMed 0.11519; gnomAD 0.11897 and 0.12008; ESP Exome Variant Server 0.12333; gnomAD exomes 0.12748; ExAC 0.12953.

Submission:

ITMI
No classification provided. Condition: AllHighlyPenetrant. Last evaluated: 2013-09-19. Review status: no classification provided. Collection method: reference population. Allele origin: germline.
Comment: Please see associated publication for description of ethnicities

Literature cited by the submitters: PubMed 24728327.

NM_003820.4(TNFRSF14):c.721G>A (p.Val241Ile)

Gene: TNFRSF14 (TNF receptor superfamily member 14; plus strand). Cytogenetic location: 1p36.32.
Variant type: single nucleotide variant.
Coding change: c.721G>A on transcript NM_003820.4 (MANE Select); coding-DNA position 721, G replaced by A.
Protein change: p.Val241Ile; replaces valine 241 with isoleucine.
Molecular consequence: missense variant. On other transcripts: 3 prime UTR variant (1).
Genome position (GRCh38, 1-based): chr1:2,562,891, G>A. VCF-style: chr1-2562891-G-A. GRCh37 (hg19) VCF-style: chr1-2494330-G-A.
Other names: c.*23G>A (NM_001297605.2); short protein forms V241I.
Identifiers: ClinVar variation 135355 (VCV000135355.1), dbSNP rs2234167, ClinGen allele CA162463.